The following is an entry in ClinVar:

NM_001079.4(ZAP70):c.563+4T>G

Gene: ZAP70 (zeta chain of T cell receptor associated protein kinase 70; plus strand). Cytogenetic location: 2q11.2.
Variant type: single nucleotide variant.
Coding change: c.563+4T>G on transcript NM_001079.4 (MANE Select); 4 bases into the intron after coding-DNA position 563, T replaced by G.
Molecular consequence: intron variant.
Genome position (GRCh38, 1-based): chr2:97,725,256, T>G. VCF-style: chr2-97725256-T-G. GRCh37 (hg19) VCF-style: chr2-98341719-T-G.
Other names: c.563+4T>G (NM_001378594.1).
Identifiers: ClinVar variation 1022756 (VCV001022756.6), dbSNP rs201296225, ClinGen allele CA1790118.

ClinVar aggregate classification (germline): Uncertain significance (1 of 4 stars; one submission).

Conditions:
Combined immunodeficiency due to ZAP70 deficiency (IMD48). Also called: Immunodeficiency 48; ZAP70 Deficiency. Identifiers: Orphanet 911, MedGen C2931299, MONDO:0010023, OMIM 269840.

Allele frequency attached by ClinVar (database versions not stated): ExAC 0.00002; gnomAD 0.00003; gnomAD exomes 0.00003 and 0.00002; TOPMed 0.00002; ESP Exome Variant Server 0.00015.
gnomAD v4.1: 52 of 1,612,082 alleles (0.0032%); highest among the groups gnomAD compares: African/African-American, 0.0053%; no homozygotes.

Submission:

Labcorp Genetics (formerly Invitae), Labcorp
Classification: Uncertain significance for Combined immunodeficiency due to ZAP70 deficiency. Last evaluated: 2022-05-11. Review status: criteria provided, single submitter. Criteria: Invitae Variant Classification Sherloc (09022015). Collection method: clinical testing. Allele origin: germline.
Comment: This sequence change falls in intron 4 of the ZAP70 gene. It does not directly change the encoded amino acid sequence of the ZAP70 protein. It affects a nucleotide within the consensus splice site. This variant is present in population databases (rs201296225, gnomAD 0.008%). This variant has not been reported in the literature in individuals affected with ZAP70-related conditions. ClinVar contains an entry for this variant (Variation ID: 1022756). Variants that disrupt the consensus splice site are a relatively common cause of aberrant splicing (PMID: 17576681, 9536098). Algorithms developed to predict the effect of sequence changes on RNA splicing suggest that this variant may create or strengthen a splice site. In summary, the available evidence is currently insufficient to determine the role of this variant in disease. Therefore, it has been classified as a Variant of Uncertain Significance.

Literature cited by the submitters: PubMed 17576681; PubMed 9536098.